The following is an entry in ClinVar:

NM_032043.3(BRIP1):c.854A>G (p.His285Arg)

Gene: BRIP1 (BRCA1 interacting DNA helicase 1; minus strand). Cytogenetic location: 17q23.2.
Variant type: single nucleotide variant.
Coding change: c.854A>G on transcript NM_032043.3 (MANE Select); coding-DNA position 854, A replaced by G.
Protein change: p.His285Arg; replaces histidine 285 with arginine.
Molecular consequence: missense variant.
Genome position (GRCh38, 1-based): chr17:61,808,531, T>C on the plus strand (A>G on the coding strand, the complement: BRIP1 is on the minus strand). VCF-style: chr17-61808531-T-C. GRCh37 (hg19) VCF-style: chr17-59885892-T-C.
Other names: NP_114432.2:p.His285Arg; short protein forms H285R.
Identifiers: ClinVar variation 142179 (VCV000142179.57), dbSNP rs141055990, ClinGen allele CA167682.

ClinVar aggregate classification (germline): Conflicting classifications of pathogenicity. Review status: criteria provided, conflicting classifications (1 of 4 stars). 20 submissions from 19 submitters: Uncertain significance (16); Likely benign (1). 3 of the submissions do not count toward it. Last evaluated 2026-06-19.

Conditions:
BRIP1-related disorder. Also called: BRIP1-related condition; BRIP1-related disorders. Identifiers: MedGen CN239206.
Hereditary cancer-predisposing syndrome. Also called: Tumor predisposition; Neoplastic Syndromes, Hereditary; Hereditary neoplastic syndrome; Hereditary Cancer Syndrome. Identifiers: Orphanet 140162, MedGen C0027672, MeSH D009386, MONDO:0015356.
Fanconi anemia complementation group J. Also called: BRIP1-Related Fanconi Anemia. Identifiers: Orphanet 84, MedGen C1836860, MONDO:0012187, OMIM 609054.
Familial cancer of breast. Also called: BREAST CANCER, FAMILIAL; Hereditary breast cancer; hereditary breast carcinoma. Identifiers: Orphanet 227535, MedGen C0346153, MONDO:0016419, OMIM 114480. Disease mechanism: loss of function.
Ovarian cancer. Also called: OVARIAN CANCER, SOMATIC. Identifiers: Orphanet 213500, MedGen C1140680, MONDO:0008170, OMIM 167000.
Hereditary breast ovarian cancer syndrome. Also called: Hereditary breast and ovarian cancer syndrome; Hereditary breast and ovarian cancer; Hereditary breast and ovarian cancer syndrome (HBOC); Hereditary breast and/or ovarian cancer syndrome; BRCA1- and BRCA2-Associated Hereditary Breast and Ovarian Cancer; Breast and ovarian cancer. Identifiers: Orphanet 145, MedGen C0677776, MeSH D061325, MONDO:0003582. Disease mechanism: loss of function.
Malignant tumor of breast. Also called: Malignant breast neoplasm; Cancer breast. Identifiers: MedGen C0006142, MONDO:0007254. Disease mechanism: loss of function.

Allele frequency attached by ClinVar (database versions not stated): ESP Exome Variant Server 0.00015; gnomAD 0.00016 and 0.00017; gnomAD exomes 0.00002 and 0.00006; ExAC 0.00007; TOPMed 0.00020; 1000 Genomes Project 30x 0.00031; 1000 Genomes Project 0.00040.
gnomAD v4.1: 54 of 1,613,828 alleles (0.0033%); highest among the groups gnomAD compares: African/African-American, 0.065%; no homozygotes.

Submissions 1 to 10 of 20:

PreventionGenetics, part of Exact Sciences
Classification: Uncertain significance for BRIP1-related condition. Last evaluated: 2026-06-19. Review status: criteria provided, single submitter. Criteria: ACMG Guidelines, 2015. Collection method: clinical testing. Allele origin: germline.
Comment: The BRIP1 c.854A>G variant is predicted to result in the amino acid substitution p.His285Arg. This variant has been reported in multiple individuals with breast cancer (Table 5, Adedokun et al. 2020. PubMed ID: 31871109; Table 3, Uyisenga et al. 2020. PubMed ID: 32959997; Guindalini RSC et al. 2022. PubMed ID: 35264596). However, no additional studies were performed to help assess the pathogenicity of this variant. This variant is reported in 0.076% of alleles in individuals of African descent in gnomAD and has conflicting interpretations of pathogenicity in ClinVar ranging from likely benign to uncertain (Variation ID: 142179). At this time, the clinical significance of this variant is uncertain due to the absence of conclusive functional and genetic evidence.

Labcorp Genetics (formerly Invitae), Labcorp
Classification: Uncertain significance for Familial cancer of breast; Fanconi anemia complementation group J. Last evaluated: 2026-01-27. Review status: criteria provided, single submitter. Criteria: Invitae Variant Classification Sherloc (09022015). Collection method: clinical testing. Allele origin: germline.
Comment: This sequence change replaces histidine, which is basic and polar, with arginine, which is basic and polar, at codon 285 of the BRIP1 protein (p.His285Arg). This variant is present in population databases (rs141055990, gnomAD 0.08%). This missense change has been observed in individual(s) with breast cancer (PMID: 26822149, 31871109, 32959997). ClinVar contains an entry for this variant (Variation ID: 142179). Invitae Evidence Modeling of protein sequence and biophysical properties (such as structural, functional, and spatial information, amino acid conservation, physicochemical variation, residue mobility, and thermodynamic stability) has been performed for this missense variant. However, the output from this modeling did not meet the statistical confidence thresholds required to predict the impact of this variant on BRIP1 protein function. In summary, the available evidence is currently insufficient to determine the role of this variant in disease. Therefore, it has been classified as a Variant of Uncertain Significance.

Center for Genomic Medicine, Rigshospitalet, Copenhagen University Hospital
Classification: Uncertain significance. Last evaluated: 2025-12-29. Review status: criteria provided, single submitter. Criteria: ACMG Guidelines, 2015. Collection method: clinical testing. Allele origin: germline.

Color Diagnostics, LLC DBA Color Health
Classification: Uncertain significance for Hereditary cancer-predisposing syndrome. Last evaluated: 2025-08-18. Review status: criteria provided, single submitter. Criteria: ACMG Guidelines, 2015. Collection method: clinical testing. Allele origin: germline.
Comment: This missense variant replaces histidine with arginine at codon 285 of the BRIP1 protein. Computational prediction is inconclusive regarding the impact of this variant on protein structure and function. To our knowledge, functional studies have not been reported for this variant. This variant has been reported in individuals affected with breast cancer (PMID: 32959997, 33471991, 35264596). This variant has been identified in 19/282340 chromosomes in the general population by the Genome Aggregation Database (gnomAD). The available evidence is insufficient to determine the role of this variant in disease conclusively. Therefore, this variant is classified as a Variant of Uncertain Significance.

GeneDx
Classification: Uncertain significance. Last evaluated: 2025-07-23. Review status: criteria provided, single submitter. Criteria: GeneDx Variant Classification Process June 2021. Collection method: clinical testing. Allele origin: germline. Affected: yes.
Comment: In silico analysis supports that this missense variant has a deleterious effect on protein structure/function; This variant is associated with the following publications: (PMID: 31871109, 26822149, 25980754, 32959997, 35264596, 33471991)

Quest Diagnostics Nichols Institute San Juan Capistrano
Classification: Uncertain significance. Last evaluated: 2025-05-05. Review status: criteria provided, single submitter. Criteria: Quest Diagnostics criteria. Collection method: clinical testing. Allele origin: unknown.
Comment: The BRIP1 c.854A>G (p.His285Arg) variant has been reported in the published literature in individuals with breast cancer (PMID: 38874686 (2024), 35264596 (2022), 33471991 (2021), 32885271 (2021), 32959997 (2020), 31871109 (2019), see also LOVD) and in reportedly unaffected individuals (PMID: 33471991 (2021), see also LOVD). The frequency of this variant in the general population (Genome Aggregation Database) is higher than would generally be expected for pathogenic variants in this gene. Analysis of this variant using bioinformatics tools for the prediction of the effect of amino acid changes on protein structure and function yielded conflicting predictions that this variant is benign or damaging. Based on the available information, we are unable to determine the clinical significance of this variant.

Women's Health and Genetics/Laboratory Corporation of America, LabCorp
Classification: Uncertain significance. Last evaluated: 2025-04-01. Review status: criteria provided, single submitter. Criteria: LabCorp Variant Classification Summary - May 2015. Collection method: clinical testing. Allele origin: germline.
Comment: Variant summary: BRIP1 c.854A>G (p.His285Arg) results in a non-conservative amino acid change located in the ATP-binding domain (IPR014001) of the encoded protein sequence. Four of five in-silico tools predict a damaging effect of the variant on protein function. The variant allele was found at a frequency of 6e-05 in 250946 control chromosomes. Although this frequency is higher than estimated for Autosomal Dominant Hereditary Breast And Ovarian Cancer Syndrome phenotype (6.3e-05), it is not significantly higher than estimated for a pathogenic variant in BRIP1 causing Autosomal Recessive Fanconi Anemia Complementation Group J (6e-05 vs 0.0004), allowing no conclusion about variant significance. c.854A>G has been reported in the literature as a VUS in settings of multigene panel testing in individuals affected with Breast Cancer (example, Uyisenga_2020, Adedokun_2020), however these reports do not provide unequivocal conclusions about association of the variant with Hereditary Breast And Ovarian Cancer Syndrome or Fanconi Anemia Complementation Group J. To our knowledge, no experimental evidence demonstrating an impact on protein function has been reported. The following publications have been ascertained in the context of this evaluation (PMID: 31871109, 33471991, 32959997). ClinVar contains an entry for this variant (Variation ID: 142179). Based on the evidence outlined above, the variant was classified as uncertain significance.

Revvity Omics, Revvity
Classification: Uncertain significance for Fanconi anemia complementation group J. Last evaluated: 2024-05-13. Review status: criteria provided, single submitter. Criteria: ACMG Guidelines, 2015. Collection method: clinical testing. Allele origin: germline.

Baylor Genetics
Classification: Uncertain significance for Familial cancer of breast. Last evaluated: 2024-02-27. Review status: criteria provided, single submitter. Criteria: ACMG Guidelines, 2015. Collection method: clinical testing. Allele origin: unknown.

St. Jude Molecular Pathology, St. Jude Children's Research Hospital
Classification: Uncertain significance for Familial cancer of breast. Last evaluated: 2023-08-30. Review status: criteria provided, single submitter. Criteria: St. Jude Assertion Criteria 2020. Collection method: clinical testing. Allele origin: germline.
Comment: The BRIP1 c.854A>G (p.His285Arg) missense change has a maximum subpopulation frequency of 0.076% in gnomAD v2.1.1. The in silico tool REVEL is inconclusive about a pathogenic or benign effect of this variant on protein function, and functional studies have not been performed. This variant has been reported in individuals with breast cancer (PMID: 32885271, 32959997). This variant has not been reported in individuals with Fanconi anemia. In summary, the evidence currently available is insufficient to determine the clinical significance of this variant. It has therefore been classified as of uncertain significance.